The following is an entry in ClinVar:

NM_005633.4(SOS1):c.*3367G>A

Gene: SOS1 (SOS Ras/Rac guanine nucleotide exchange factor 1; minus strand). Cytogenetic location: 2p22.1.
Variant type: single nucleotide variant.
Coding change: c.*3367G>A on transcript NM_005633.4 (MANE Select); 3367 bases downstream of the stop codon, G replaced by A.
Molecular consequence: 3 prime UTR variant.
Genome position (GRCh38, 1-based): chr2:38,982,457, C>T on the plus strand (G>A on the coding strand, the complement: SOS1 is on the minus strand). VCF-style: chr2-38982457-C-T. GRCh37 (hg19) VCF-style: chr2-39209598-C-T.
Other names: c.*3367G>A (NM_001382394.1, NM_001382395.1).
Identifiers: ClinVar variation 895589 (VCV000895589.4), dbSNP rs145904123, ClinGen allele CA45670781.

ClinVar aggregate classification (germline): Benign/Likely benign. Review status: criteria provided, single submitter (1 of 4 stars). 2 submissions from 1 submitter: Benign (1); Likely benign (1). Last evaluated 2018-01-13.

Conditions:
Noonan syndrome 4 (NS4). Also called: NOONAN SYNDROME WITH PIGMENTED VILLONODULAR SYNOVITIS; SOS1-Related Noonan Syndrome. Identifiers: Orphanet 648, MedGen C1853120, MONDO:0012547, OMIM 610733.
Fibromatosis, gingival, 1 (GINGF1). Identifiers: Orphanet 2024, MedGen C4551558, MONDO:0007609, OMIM 135300.

Allele frequency attached by ClinVar (database versions not stated): gnomAD 0.00108 and 0.00116; TOPMed 0.00127; 1000 Genomes Project 0.00300; 1000 Genomes Project 30x 0.00344.

Submissions (2):

Illumina Laboratory Services, Illumina
Classification: Benign for Fibromatosis, gingival, 1. Last evaluated: 2018-01-13. Review status: criteria provided, single submitter. Criteria: ICSL Variant Classification Criteria 13 December 2019. Collection method: clinical testing. Allele origin: germline.
Comment: This variant was observed in the ICSL laboratory as part of a predisposition screen in an ostensibly healthy population. It had not been previously curated by ICSL or reported in the Human Gene Mutation Database (HGMD: prior to June 1st, 2018), and was therefore a candidate for classification through an automated scoring system. Utilizing variant allele frequency, disease prevalence and penetrance estimates, and inheritance mode, an automated score was calculated to assess if this variant is too frequent to cause the disease. Based on the score and internal cut-off values, a variant classified as benign is not then subjected to further curation. The score for this variant resulted in a classification of benign for this disease.

Illumina Laboratory Services, Illumina
Classification: Likely benign for Noonan syndrome 4. Last evaluated: 2018-01-13. Review status: criteria provided, single submitter. Criteria: ICSL Variant Classification Criteria 13 December 2019. Collection method: clinical testing. Allele origin: germline.
Comment: This variant was observed in the ICSL laboratory as part of a predisposition screen in an ostensibly healthy population. It had not been previously curated by ICSL or reported in the Human Gene Mutation Database (HGMD: prior to June 1st, 2018), and was therefore a candidate for classification through an automated scoring system. Utilizing variant allele frequency, disease prevalence and penetrance estimates, and inheritance mode, an automated score was calculated to assess if this variant is too frequent to cause the disease. Based on the score and internal cut-off values, a variant classified as likely benign is not then subjected to further curation. The score for this variant resulted in a classification of likely benign for this disease.